The following is an entry in ClinVar:

ClinVar aggregate classification (germline): Uncertain significance (1 of 4 stars; one submission).

Allele frequency attached by ClinVar (database versions not stated): gnomAD exomes below 0.00001.
gnomAD v4.1: 1 of 1,614,154 alleles (0.000062%); highest among the groups gnomAD compares: Non-Finnish European, 0.000085%; no homozygotes.

Submission:

Labcorp Genetics (formerly Invitae), Labcorp
Classification: Uncertain significance. Last evaluated: 2022-08-24. Review status: criteria provided, single submitter. Criteria: Invitae Variant Classification Sherloc (09022015). Collection method: clinical testing. Allele origin: germline.
Comment: This variant has not been reported in the literature in individuals affected with CLTC-related conditions. This variant is not present in population databases (gnomAD no frequency). This sequence change replaces aspartic acid, which is acidic and polar, with glutamic acid, which is acidic and polar, at codon 1550 of the CLTC protein (p.Asp1550Glu). In summary, the available evidence is currently insufficient to determine the role of this variant in disease. Therefore, it has been classified as a Variant of Uncertain Significance. Algorithms developed to predict the effect of missense changes on protein structure and function are either unavailable or do not agree on the potential impact of this missense change (SIFT: "Tolerated"; PolyPhen-2: "Not Available"; Align-GVGD: "Class C0").

NM_004859.4(CLTC):c.4638T>G (p.Asp1546Glu)

Gene: CLTC (clathrin heavy chain; plus strand). Cytogenetic location: 17q23.1.
Variant type: single nucleotide variant.
Coding change: c.4638T>G on transcript NM_004859.4 (MANE Select); coding-DNA position 4638, T replaced by G.
Protein change: p.Asp1546Glu; replaces aspartic acid 1546 with glutamic acid.
Molecular consequence: missense variant.
Genome position (GRCh38, 1-based): chr17:59,685,619, T>G. VCF-style: chr17-59685619-T-G. GRCh37 (hg19) VCF-style: chr17-57762980-T-G.
Other names: c.4650T>G, p.Asp1550Glu (NM_001288653.2); short protein forms D1546E, D1550E.
Identifiers: ClinVar variation 1717977 (VCV001717977.5), dbSNP rs2509158580, ClinGen allele CA400422524.